The following is an entry in ClinVar:

ClinVar aggregate classification (germline): Pathogenic (1 of 4 stars; one submission).

Conditions:
Propionic acidemia (PROP). Also called: GLYCINEMIA, KETOTIC; HYPERGLYCINEMIA WITH KETOACIDOSIS AND LEUKOPENIA; KETOTIC HYPERGLYCINEMIA. Identifiers: Orphanet 35, MedGen C0268579, MONDO:0011628, OMIM 606054, HP:0003571.

Submission:

Myriad Genetics, Inc.
Classification: Pathogenic for Propionic acidemia. Last evaluated: 2025-07-09. Review status: criteria provided, single submitter. Criteria: Myriad Autosomal Dominant, Autosomal Recessive and X-Linked Classification Criteria (2023). Collection method: clinical testing. Allele origin: unknown.
Comment: NM_000532.4(PCCB):c.1235_1242del8(G412Afs*7) is expected to be pathogenic in the context of PCCB-related propionic acidemia. This variant is predicted to lead to an abnormal or absent protein product due to the creation of a premature termination codon in PCCB, a gene where loss-of-function variants are known to be pathogenic. Please note: this variant was assessed in the context of healthy population screening.

NM_000532.5(PCCB):c.1235_1242del (p.Gly412fs)

Gene: PCCB (propionyl-CoA carboxylase subunit beta; plus strand). Cytogenetic location: 3q22.3.
Variant type: Deletion.
Coding change: c.1235_1242del on transcript NM_000532.5 (MANE Select); coding-DNA positions 1235 to 1242, 8 bases deleted (GTGCCAAG; older notation c.1235_1242delGTGCCAAG).
Protein change: p.Gly412fs; shifts the reading frame from glycine 412.
Molecular consequence: frameshift variant.
Genome position (GRCh38, 1-based): chr3:136,327,191-136,327,198, GTGCCAAG deleted; deleting any 8 consecutive bases within chr3:136,327,190-136,327,198 gives the same sequence; the c. name uses the placement nearest the transcript's 3' end. VCF-style (leftmost placement, unchanged base first): chr3-136327189-TGGTGCCAA-T. GRCh37 (hg19) VCF-style: chr3-136046031-TGGTGCCAA-T.
Other names: c.1295_1302del, p.Gly432fs (NM_001178014.2); short protein forms G412fs, G432fs.
Identifiers: ClinVar variation 5014703 (VCV005014703.1).